The following is an entry in ClinVar:

ClinVar aggregate classification (germline): Benign/Likely benign. Review status: criteria provided, multiple submitters, no conflicts (2 of 4 stars). 13 submissions from 13 submitters: Benign (2); Likely benign (6). 5 of the submissions do not count toward it. Last evaluated 2026-04-01.

Allele frequency attached by ClinVar (database versions not stated): 1000 Genomes Project 30x 0.00016; 1000 Genomes Project 0.00020; gnomAD exomes 0.00121; ExAC 0.00124; gnomAD 0.00125 and 0.00129; TOPMed 0.00128; ESP Exome Variant Server 0.00146.

Submissions (13):

CeGaT Center for Human Genetics Tuebingen
Classification: Likely benign. Last evaluated: 2026-04-01. Review status: criteria provided, single submitter. Criteria: CeGaT Center For Human Genetics Tuebingen Variant Classification Criteria Version 2. Collection method: clinical testing. Allele origin: germline. Affected: yes. Observed: 48 variant alleles.
Comment: TTN: BP4, BP7

Molecular Diagnostic Laboratory for Inherited Cardiovascular Disease, Montreal Heart Institute
Classification: Benign. Last evaluated: 2026-03-27. Review status: criteria provided, single submitter. Criteria: ACMG Guidelines, 2015. Collection method: clinical testing. Allele origin: germline. Affected: no.

ARUP Laboratories, Molecular Genetics and Genomics, ARUP Laboratories
Classification: Likely benign. Last evaluated: 2025-05-26. Review status: criteria provided, single submitter. Criteria: ARUP Molecular Germline Variant Investigation Process 2024. Collection method: clinical testing. Allele origin: germline.

Blueprint Genetics
Classification: Likely benign. Last evaluated: 2024-11-14. Review status: criteria provided, single submitter. Criteria: ACMG Guidelines, 2015. Collection method: clinical testing. Allele origin: germline.

Eurofins Ntd Llc (ga)
Classification: Likely benign. Last evaluated: 2017-02-28. Review status: criteria provided, single submitter. Criteria: EGL Classification Definitions 2015. Collection method: clinical testing. Allele origin: germline. Observed: 4 variant alleles, 4 heterozygotes.

Laboratory for Molecular Medicine, Mass General Brigham Personalized Medicine
Classification: Likely benign. Last evaluated: 2015-04-09. Review status: criteria provided, single submitter. Criteria: LMM Criteria. Collection method: clinical testing. Allele origin: germline. Observed: 3 variant alleles.
Comment: p.Thr4738Thr in exon 45A of TTN: This variant is not expected to have clinical s ignificance because it does not alter an amino acid residue and is not located w ithin the splice consensus sequence. It has been identified in 0.2% (131/66404) of European chromosomes by the Exome Aggregation Consortium (ExAC; dbSNP rs147513899).

GeneDx
Classification: Benign. Last evaluated: 2014-09-30. Review status: criteria provided, single submitter. Criteria: GeneDx Variant Classification (06012015). Collection method: clinical testing. Allele origin: germline. Affected: yes.
Comment: This variant is considered likely benign or benign based on one or more of the following criteria: it is a conservative change, it occurs at a poorly conserved position in the protein, it is predicted to be benign by multiple in silico algorithms, and/or has population frequency not consistent with disease.

Breakthrough Genomics
Classification: Likely benign. Review status: criteria provided, single submitter. Criteria: ACMG Guidelines, 2015. Collection method: not provided. Allele origin: germline. Inheritance: Autosomal recessive inheritance. Affected: yes.

Clinical Genetics DNA and cytogenetics Diagnostics Lab, Erasmus MC, Erasmus Medical Center
Classification: Likely benign. Review status: no assertion criteria provided. Collection method: clinical testing. Allele origin: germline. Affected: yes. Study: VKGL Data-share Consensus. Not counted in ClinVar's aggregate classification.

Clinical Genetics, Academic Medical Center
Classification: Benign. Review status: no assertion criteria provided. Collection method: clinical testing. Allele origin: germline. Affected: yes. Study: VKGL Data-share Consensus. Not counted in ClinVar's aggregate classification.

Diagnostic Laboratory, Department of Genetics, University Medical Center Groningen
Classification: Likely benign. Review status: no assertion criteria provided. Collection method: clinical testing. Allele origin: germline. Affected: yes. Study: VKGL Data-share Consensus. Not counted in ClinVar's aggregate classification.

Genome Diagnostics Laboratory, University Medical Center Utrecht
Classification: Benign. Review status: no assertion criteria provided. Collection method: clinical testing. Allele origin: germline. Affected: yes. Study: VKGL Data-share Consensus. Not counted in ClinVar's aggregate classification.

Joint Genome Diagnostic Labs from Nijmegen and Maastricht, Radboudumc and MUMC+
Classification: Benign. Review status: no assertion criteria provided. Collection method: clinical testing. Allele origin: germline. Affected: yes. Study: VKGL Data-share Consensus. Not counted in ClinVar's aggregate classification.

NM_133379.5(TTN):c.14214C>T (p.Thr4738=)

Genes: TTN (titin; minus strand), LOC126806432 (CDK7 strongly-dependent group 2 enhancer GRCh37_chr2:179611985-179613184; plus strand). Cytogenetic location: 2q31.2.
Variant type: single nucleotide variant.
Coding change: c.14214C>T on transcript NM_133379.5; coding-DNA position 14214, C replaced by T.
Protein change: p.Thr4738=; no amino-acid change (threonine 4738 retained).
Molecular consequence: synonymous variant. On other transcripts: intron variant (6).
Genome position (GRCh38, 1-based): chr2:178,748,186, G>A on the plus strand (C>T on the coding strand, the complement: TTN is on the minus strand). VCF-style: chr2-178748186-G-A. GRCh37 (hg19) VCF-style: chr2-179612913-G-A.
Other names: p.T4738T:ACC>ACT; c.14214C>T (NM_133379.4); c.10222+4938C>T (NM_003319.4); c.10798+4938C>T (NM_133437.4); c.10597+4938C>T (NM_133432.3); c.10360+4938C>T (NM_133378.4, NM_001256850.1); c.11311+4938C>T (NM_001267550.2).
Identifiers: ClinVar variation 166261 (VCV000166261.61), dbSNP rs147513899, ClinGen allele CA295549.
Genomic context (GRCh38, chr2:178,748,186, plus strand): 5'-TCCATTTTCTAGAGGACAACTTTTCTCAGAAAGATCAGTTTCTTCTATATCTGCAGATGA[G>A]GTTGGAAGTAGGGCACATGATTCACTATAGATTTCTTCAGAAAAGGATTTAAGAGAAAGA-3'